The following is an entry in ClinVar:

NM_001953.5(TYMP):c.910G>A (p.Asp304Asn)

Genes: TYMP (thymidine phosphorylase; minus strand), LOC130067862 (ATAC-STARR-seq lymphoblastoid silent region 13986; plus strand). Cytogenetic location: 22q13.33.
Variant type: single nucleotide variant.
Coding change: c.910G>A on transcript NM_001953.5 (MANE Select); coding-DNA position 910, G replaced by A.
Protein change: p.Asp304Asn; replaces aspartic acid 304 with asparagine.
Molecular consequence: missense variant.
Genome position (GRCh38, 1-based): chr22:50,526,594, C>T on the plus strand (G>A on the coding strand, the complement: TYMP is on the minus strand). VCF-style: chr22-50526594-C-T. GRCh37 (hg19) VCF-style: chr22-50965023-C-T.
Other names: c.910G>A, p.Asp304Asn (NM_001113755.3, NM_001113756.3, NM_001257988.1 and 1 more transcripts); short protein forms D304N.
Identifiers: ClinVar variation 749726 (VCV000749726.15), dbSNP rs570438867, ClinGen allele CA10321540.

ClinVar aggregate classification (germline): Conflicting classifications of pathogenicity. Review status: criteria provided, conflicting classifications (1 of 4 stars). 3 submissions from 3 submitters: Uncertain significance (1); Likely benign (1). 1 of the submissions does not count toward it. Last evaluated 2026-01-26.

Conditions:
Mitochondrial neurogastrointestinal encephalomyopathy. Also called: Mitochondrial neurogastrointestinal encephalopathy syndrome; MNGIE syndrome; Thymidine phosphorylase deficiency. Identifiers: Orphanet 298, MedGen C0872218, MONDO:0017575.

Allele frequency attached by ClinVar (database versions not stated): 1000 Genomes Project 30x 0.00016; 1000 Genomes Project 0.00020; ExAC 0.00113.

Submissions (3):

Labcorp Genetics (formerly Invitae), Labcorp
Classification: Likely benign. Last evaluated: 2026-01-26. Review status: criteria provided, single submitter. Criteria: Invitae Variant Classification Sherloc (09022015). Collection method: clinical testing. Allele origin: germline.

GeneDx
Classification: Uncertain significance. Last evaluated: 2020-01-31. Review status: criteria provided, single submitter. Criteria: GeneDx Variant Classification Process June 2021. Collection method: clinical testing. Allele origin: germline. Affected: yes.
Comment: In silico analysis supports that this missense variant does not alter protein structure/function; Has not been previously published as pathogenic or benign to our knowledge

Natera, Inc.
Classification: Likely benign for Mitochondrial neurogastrointestinal encephalomyopathy. Last evaluated: 2020-04-30. Review status: no assertion criteria provided. Collection method: clinical testing. Allele origin: germline. Not counted in ClinVar's aggregate classification.